The following is an entry in ClinVar:

NM_001079520.2(DACT1):c.*6A>G

Gene: DACT1 (dishevelled binding antagonist of beta catenin 1; plus strand). Cytogenetic location: 14q23.1.
Variant type: single nucleotide variant.
Coding change: c.*6A>G on transcript NM_001079520.2 (MANE Select); 6 bases downstream of the stop codon, A replaced by G.
Molecular consequence: 3 prime UTR variant. On other transcripts: non-coding transcript variant (5).
Genome position (GRCh38, 1-based): chr14:58,647,140, A>G. VCF-style: chr14-58647140-A-G. GRCh37 (hg19) VCF-style: chr14-59113858-A-G.
Other names: c.*6A>G (NM_016651.6).
Identifiers: ClinVar variation 4992923 (VCV004992923.1).

ClinVar aggregate classification (germline): Likely benign (1 of 4 stars; one submission).

Conditions:
DACT1-related disorder. Also called: DACT1-related condition.

Submission:

PreventionGenetics, part of Exact Sciences
Classification: Likely benign for DACT1-related condition. Last evaluated: 2026-04-24. Review status: criteria provided, single submitter. Criteria: ACMG Guidelines, 2015. Collection method: clinical testing. Allele origin: germline.
Comment: This variant is classified as likely benign based on ACMG/AMP sequence variant interpretation guidelines (Richards et al. 2015 PMID: 25741868, with internal and published modifications).